The following is an entry in ClinVar:

NM_000268.4(NF2):c.675+1G>T

Gene: NF2 (NF2, moesin-ezrin-radixin like (MERLIN) tumor suppressor; plus strand). Cytogenetic location: 22q12.2.
Variant type: single nucleotide variant.
Coding change: c.675+1G>T on transcript NM_000268.4 (MANE Select); the canonical splice donor site of the intron after coding-DNA position 675, G replaced by T.
Molecular consequence: splice donor variant. On other transcripts: intron variant (1).
Genome position (GRCh38, 1-based): chr22:29,658,265, G>T. VCF-style: chr22-29658265-G-T. GRCh37 (hg19) VCF-style: chr22-30054254-G-T.
Other names: NC_000022.10:g.30054254G>T; c.675+1G>T (NM_016418.5, NM_181832.3, NM_001407060.1 and 4 more transcripts); c.561+1G>T (NM_001407056.1, NM_001407053.1); c.444+1G>T (NM_001407067.1); c.141+1G>T (NM_001407065.1); c.447+15980G>T (NM_181833.3); c.552+1G>T (NM_001407058.1, NM_181829.3, NM_001407054.1 and 1 more transcripts); c.549+1G>T (NM_181828.3, NM_001407055.1); and 1 more.
Identifiers: ClinVar variation 3231105 (VCV003231105.2), dbSNP rs1555994854, ClinGen allele CA411143138.

ClinVar aggregate classification (germline): Pathogenic (1 of 4 stars; one submission).

Conditions:
Hereditary cancer-predisposing syndrome. Also called: Neoplastic Syndromes, Hereditary; Tumor predisposition; Hereditary neoplastic syndrome; Hereditary Cancer Syndrome. Identifiers: Orphanet 140162, MedGen C0027672, MeSH D009386, MONDO:0015356.

Submissions (2):

Ambry Genetics
Classification: Pathogenic for Hereditary cancer-predisposing syndrome. Last evaluated: 2024-03-06. Review status: criteria provided, single submitter. Criteria: Ambry Variant Classification Scheme 2023. Collection method: clinical testing. Allele origin: germline.
Comment: The c.675+1G>T intronic pathogenic mutation results from a G to T substitution one nucleotide after coding exon 7 of the NF2 gene. This variant was reported in multiple individuals who met clinical criteria for NF2-related schwannomatosis (M&eacute;rel P et al. Genes Chromosomes Cancer, 1995 Feb;12:117-27; Ambry internal data). This variant is considered to be rare based on population cohorts in the Genome Aggregation Database (gnomAD). This nucleotide position is highly conserved in available vertebrate species. In silico splice site analysis predicts that this alteration will weaken the native splice donor site and may result in the creation or strengthening of a novel splice donor site; however, direct evidence is insufficient at this time (Ambry internal data). Alterations that disrupt the canonical splice site are expected to cause aberrant splicing, resulting in an abnormal protein or a transcript that is subject to nonsense-mediated mRNA decay. Based on the supporting evidence, this alteration is interpreted as a disease-causing mutation.

Dr. Peter K. Rogan Lab, Western University
No classification provided (evidence only). Condition: Cholangiocarcinoma. Review status: no classification provided. Collection method: in vitro. Allele origin: not applicable. Functional consequence: retained intron. Not counted in ClinVar's aggregate classification.

Literature cited by the submitters: PubMed 7535084 (cited by Ambry Genetics).